The following is an entry in ClinVar:

NM_080632.3(UPF3B):c.1302+6G>A

Gene: UPF3B (UPF3B regulator of nonsense mediated mRNA decay; minus strand). Cytogenetic location: Xq24.
Variant type: single nucleotide variant.
Coding change: c.1302+6G>A on transcript NM_080632.3 (MANE Select); 6 bases into the intron after coding-DNA position 1302, G replaced by A.
Molecular consequence: intron variant.
Genome position (GRCh38, 1-based): chrX:119,837,751, C>T on the plus strand (G>A on the coding strand, the complement: UPF3B is on the minus strand). VCF-style: chrX-119837751-C-T. GRCh37 (hg19) VCF-style: chrX-118971714-C-T.
Other names: c.1263+6G>A (NM_023010.4).
Identifiers: ClinVar variation 1351231 (VCV001351231.6), dbSNP rs752421745, ClinGen allele CA10503159.

ClinVar aggregate classification (germline): Uncertain significance (1 of 4 stars; one submission).

Conditions:
Intellectual developmental disorder, X-linked, syndromic 14. Also called: Syndromic X-linked intellectual disability 14. Identifiers: Orphanet 776, MedGen C1970822, MONDO:0010398, OMIM 300676.

Allele frequency attached by ClinVar (database versions not stated): gnomAD exomes below 0.00001 and 0.00001; ExAC 0.00001.
gnomAD v4.1: 1 of 1,208,629 alleles (0.000083%); highest among the groups gnomAD compares: Non-Finnish European, 0.00011%; no homozygotes.

Submission:

Labcorp Genetics (formerly Invitae), Labcorp
Classification: Uncertain significance for Intellectual developmental disorder, X-linked, syndromic 14. Last evaluated: 2024-02-24. Review status: criteria provided, single submitter. Criteria: Invitae Variant Classification Sherloc (09022015). Collection method: clinical testing. Allele origin: germline.
Comment: This sequence change falls in intron 10 of the UPF3B gene. It does not directly change the encoded amino acid sequence of the UPF3B protein. It affects a nucleotide within the consensus splice site. This variant is present in population databases (rs752421745, gnomAD 0.001%). This variant has not been reported in the literature in individuals affected with UPF3B-related conditions. ClinVar contains an entry for this variant (Variation ID: 1351231). Variants that disrupt the consensus splice site are a relatively common cause of aberrant splicing (PMID: 17576681, 9536098). Algorithms developed to predict the effect of sequence changes on RNA splicing suggest that this variant is not likely to affect RNA splicing. In summary, the available evidence is currently insufficient to determine the role of this variant in disease. Therefore, it has been classified as a Variant of Uncertain Significance.

Literature cited by the submitters: PubMed 17576681; PubMed 9536098.